The following is an entry in ClinVar:

ClinVar aggregate classification (germline): Uncertain significance (1 of 4 stars; one submission).

Conditions:
Cardiovascular phenotype. Identifiers: MedGen CN230736.

Submission:

Ambry Genetics
Classification: Uncertain significance for Cardiovascular phenotype. Last evaluated: 2026-02-26. Review status: criteria provided, single submitter. Criteria: Ambry Variant Classification Scheme 2023. Collection method: clinical testing. Allele origin: germline.
Comment: The p.F669S variant (also known as c.2006T>C), located in coding exon 16 of the MYH7 gene, results from a T to C substitution at nucleotide position 2006. The phenylalanine at codon 669 is replaced by serine, an amino acid with highly dissimilar properties. This alteration is located in the myosin head domain, which contains a statistically significant clustering of pathogenic missense variants (Homburger JR et al. Proc Natl Acad Sci U S A, 2016 06;113:6701-6; Walsh R et al. Genet Med, 2017 02;19:192-203; Ambry internal data). This amino acid position is highly conserved in available vertebrate species. In addition, this alteration is predicted to be deleterious by in silico analysis. Based on the available evidence, the clinical significance of this variant remains unclear.

NM_000257.4(MYH7):c.2006T>C (p.Phe669Ser)

Gene: MYH7 (myosin heavy chain 7; minus strand). Cytogenetic location: 14q11.2.
Variant type: single nucleotide variant.
Coding change: c.2006T>C on transcript NM_000257.4 (MANE Select); coding-DNA position 2006, T replaced by C.
Protein change: p.Phe669Ser; replaces phenylalanine 669 with serine.
Molecular consequence: missense variant.
Genome position (GRCh38, 1-based): chr14:23,426,815, A>G on the plus strand (T>C on the coding strand, the complement: MYH7 is on the minus strand). VCF-style: chr14-23426815-A-G. GRCh37 (hg19) VCF-style: chr14-23896024-A-G.
Other names: c.2006T>C, p.Phe669Ser (NM_001407004.1); short protein forms F669S.
Identifiers: ClinVar variation 1784329 (VCV001784329.3), dbSNP rs1892712215, ClinGen allele CA389049338.